The following is an entry in ClinVar:

ClinVar aggregate classification (germline): Uncertain significance (1 of 4 stars; one submission).

Conditions:
Amyotrophic lateral sclerosis type 21. Also called: MYOPATHY, DISTAL, 2; VOCAL CORD AND PHARYNGEAL DYSFUNCTION WITH DISTAL MYOPATHY. Identifiers: Orphanet 600, Orphanet 803, MedGen C3807521, MONDO:0011632, OMIM 606070.

Submission:

Labcorp Genetics (formerly Invitae), Labcorp
Classification: Uncertain significance for Amyotrophic lateral sclerosis type 21. Last evaluated: 2022-01-11. Review status: criteria provided, single submitter. Criteria: Invitae Variant Classification Sherloc (09022015). Collection method: clinical testing. Allele origin: germline.
Comment: In summary, the available evidence is currently insufficient to determine the role of this variant in disease. Therefore, it has been classified as a Variant of Uncertain Significance. This variant has not been reported in the literature in individuals affected with MATR3-related conditions. A copy number gain of the genomic region encompassing the full coding sequence of the MATR3 gene has been identified. The boundaries of this event are unknown as they extend beyond the assayed region for this gene and therefore may encompass additional genes. As the precise location of this event is unknown, it may be in tandem or it may be located elsewhere in the genome.

NC_000005.9:g.(?_138643105)_(138665084_?)dup

Gene: MATR3 (matrin 3; plus strand). Cytogenetic location: 5q31.2.
Variant type: Duplication.
Identifiers: ClinVar variation 2427665 (VCV002427665.5).